The following is an entry in ClinVar:

ClinVar aggregate classification (germline): Pathogenic. Review status: criteria provided, multiple submitters, no conflicts (2 of 4 stars). 2 submissions from 2 submitters: Pathogenic (2). Last evaluated 2026-04-16.

Conditions:
CEP290-related ciliopathy. Also called: CEP290 ciliopathy. Identifiers: MedGen CN305601, MONDO:0100451.
Meckel-Gruber syndrome. Also called: DYSENCEPHALIA SPLANCHNOCYSTICA; Dysencephalia splachnocystica; GRUBER SYNDROME. Identifiers: Orphanet 564, MedGen C0265215, MONDO:0018921.
Joubert syndrome. Also called: JOUBERT-BOLTSHAUSER SYNDROME; Familial aplasia of the vermis. Identifiers: Orphanet 475, MedGen C5979921, MONDO:0018772.
Nephronophthisis. Also called: Juvenile Nephronophthisis. Identifiers: Orphanet 655, MedGen C0687120, MONDO:0019005, HP:0000090.

Allele frequency attached by ClinVar (database versions not stated): TOPMed 0.00001.

Submissions (2):

Myriad Genetics, Inc.
Classification: Pathogenic for CEP290-related ciliopathy. Last evaluated: 2026-04-16. Review status: criteria provided, single submitter. Criteria: Myriad Autosomal Dominant, Autosomal Recessive and X-Linked Classification Criteria (2023). Collection method: clinical testing. Allele origin: unknown.
Comment: NM_025114.3(CEP290):c.5197C>T(Q1733*) is expected to be pathogenic in the context of CEP290-related disorders. This variant is predicted to lead to an abnormal or absent protein product due to the creation of a premature termination codon in CEP290, a gene where loss-of-function variants are known to be pathogenic. Please note: this variant was assessed in the context of healthy population screening.

Labcorp Genetics (formerly Invitae), Labcorp
Classification: Pathogenic for Joubert syndrome; Meckel-Gruber syndrome; Nephronophthisis. Last evaluated: 2020-09-30. Review status: criteria provided, single submitter. Criteria: Invitae Variant Classification Sherloc (09022015). Collection method: clinical testing. Allele origin: germline.
Comment: This sequence change creates a premature translational stop signal (p.Gln1733*) in the CEP290 gene. It is expected to result in an absent or disrupted protein product. This variant is not present in population databases (ExAC no frequency). This variant has not been reported in the literature in individuals with CEP290-related conditions. Loss-of-function variants in CEP290 are known to be pathogenic (PMID: 16909394, 17345604, 20690115, 25377065, 28559085). For these reasons, this variant has been classified as Pathogenic.

Literature cited by the submitters: PubMed 16909394 (cited by Labcorp Genetics (formerly Invitae), Labcorp); PubMed 17345604 (cited by Labcorp Genetics (formerly Invitae), Labcorp); PubMed 20690115 (cited by Labcorp Genetics (formerly Invitae), Labcorp); PubMed 25377065 (cited by Labcorp Genetics (formerly Invitae), Labcorp); PubMed 28559085 (cited by Labcorp Genetics (formerly Invitae), Labcorp).

NM_025114.4(CEP290):c.5197C>T (p.Gln1733Ter)

Gene: CEP290 (centrosomal protein 290; minus strand). Cytogenetic location: 12q21.32.
Variant type: single nucleotide variant.
Coding change: c.5197C>T on transcript NM_025114.4 (MANE Select); coding-DNA position 5197, C replaced by T.
Protein change: p.Gln1733Ter; replaces glutamine 1733 with a stop codon.
Molecular consequence: nonsense.
Genome position (GRCh38, 1-based): chr12:88,080,211, G>A on the plus strand (C>T on the coding strand, the complement: CEP290 is on the minus strand). VCF-style: chr12-88080211-G-A. GRCh37 (hg19) VCF-style: chr12-88473988-G-A.
Other names: short protein forms Q1733*.
Identifiers: ClinVar variation 1072258 (VCV001072258.5), dbSNP rs1367899236, ClinGen allele CA385990960.